The following is an entry in ClinVar:

NM_001040142.2(SCN2A):c.304C>T (p.Arg102Ter)

Gene: SCN2A (sodium voltage-gated channel alpha subunit 2; plus strand). Cytogenetic location: 2q24.3.
Variant type: single nucleotide variant.
Coding change: c.304C>T on transcript NM_001040142.2 (MANE Select); coding-DNA position 304, C replaced by T.
Protein change: p.Arg102Ter; replaces arginine 102 with a stop codon.
Molecular consequence: nonsense.
Genome position (GRCh38, 1-based): chr2:165,297,053, C>T. VCF-style: chr2-165297053-C-T. GRCh37 (hg19) VCF-style: chr2-166153563-C-T.
Other names: c.304C>T, p.Arg102Ter (NM_001040143.2, NM_001371246.1, NM_001371247.1 and 1 more transcripts); short protein forms R102*.
Identifiers: ClinVar variation 29885 (VCV000029885.17), dbSNP rs387906683, ClinGen allele CA128706.
Genomic context (GRCh38, chr2:165,297,053, plus strand): 5'-TATGTGTTGTGTTTTCTTTTTCAGACGTTTATAGTATTGAATAAAGGGAAAGCAATCTCT[C>T]GATTCAGTGCCACCCCTGCCCTTTACATTTTAACTCCCTTCAACCCTATTAGAAAATTAG-3'

ClinVar aggregate classification (germline): Pathogenic. Review status: criteria provided, multiple submitters, no conflicts (2 of 4 stars). 8 submissions from 8 submitters: Pathogenic (6). 2 of the submissions do not count toward it. Last evaluated 2025-10-07.

Conditions:
Complex neurodevelopmental disorder. Identifiers: Orphanet 528084, MedGen C5568766, MONDO:0100038.
Episodic ataxia, type 9. Identifiers: MedGen C5394520, MONDO:0030064, OMIM 618924.
Developmental and epileptic encephalopathy, 11 (DEE11). Also called: Early infantile epileptic encephalopathy 11. Identifiers: Orphanet 1934, MedGen C3150987, MONDO:0013388, OMIM 613721.
Seizures, benign familial infantile, 3 (BFIS3). Also called: CONVULSIONS, BENIGN FAMILIAL INFANTILE, 3; Familial neonatal seizures. Identifiers: Orphanet 140927, Orphanet 306, MedGen C1843140, MONDO:0011904, OMIM 607745.

Submissions (8):

Women's Health and Genetics/Laboratory Corporation of America, LabCorp
Classification: Pathogenic for Developmental and epileptic encephalopathy, 11. Last evaluated: 2025-10-07. Review status: criteria provided, single submitter. Criteria: LabCorp Variant Classification Summary - May 2015. Collection method: clinical testing. Allele origin: germline.
Comment: Variant summary: SCN2A c.304C>T (p.Arg102X) results in a premature termination codon, predicted to cause a truncation of the encoded protein or absence of the protein due to nonsense mediated decay, which are commonly known mechanisms for disease. The variant was absent in 249086 control chromosomes (gnomAD). c.304C>T has been observed in individuals affected with clinical features of Early Infantile Epileptic Encephalopathy 11 (Kamiya_2004, Shu_2021). These data indicate that the variant may be associated with disease. To our knowledge, no experimental evidence demonstrating an impact on protein function has been reported. The following publication have been ascertained in the context of this evaluation (PMID: 15028761, 33851778). ClinVar contains an entry for this variant (Variation ID: 29885). Based on the evidence outlined above, the variant was classified as pathogenic.

Genomic Medicine Center of Excellence, King Faisal Specialist Hospital and Research Centre
Classification: Pathogenic for Episodic ataxia, type 9. Last evaluated: 2024-03-17. Review status: criteria provided, single submitter. Criteria: ACMG Guidelines, 2015. Collection method: research. Allele origin: germline.

Labcorp Genetics (formerly Invitae), Labcorp
Classification: Pathogenic for Seizures, benign familial infantile, 3; Developmental and epileptic encephalopathy, 11. Last evaluated: 2023-08-29. Review status: criteria provided, single submitter. Criteria: Invitae Variant Classification Sherloc (09022015). Collection method: clinical testing. Allele origin: germline.
Comment: For these reasons, this variant has been classified as Pathogenic. ClinVar contains an entry for this variant (Variation ID: 29885). This premature translational stop signal has been observed in individual(s) with SCN2A-related conditions (PMID: 15028761, 33851778, 34894057). This variant is not present in population databases (gnomAD no frequency). This sequence change creates a premature translational stop signal (p.Arg102*) in the SCN2A gene. It is expected to result in an absent or disrupted protein product. Loss-of-function variants in SCN2A are known to be pathogenic (PMID: 28379373).

GeneDx
Classification: Pathogenic. Last evaluated: 2022-12-07. Review status: criteria provided, single submitter. Criteria: GeneDx Variant Classification Process June 2021. Collection method: clinical testing. Allele origin: germline. Affected: yes.
Comment: Published patch clamp studies demonstrate the variant results in absent channel current, demonstrating loss of function (Kamiya et al., 2004); Nonsense variant predicted to result in protein truncation or nonsense mediated decay in a gene for which loss-of-function is a known mechanism of disease; Not observed at significant frequency in large population cohorts (gnomAD); This variant is associated with the following publications: (PMID: 27535533, 31785789, 33004838, 15028761, 28135719, 28191890, 19786696, 30175250, 31558572, 29635106, 32090326, 30813884, 33841294, 33851778, 34894057, 28600779)

Institute of Human Genetics Munich, TUM University Hospital
Classification: Pathogenic for Developmental and epileptic encephalopathy, 11. Last evaluated: 2017-12-13. Review status: criteria provided, single submitter. Criteria: Classification criteria August 2017. Collection method: clinical testing. Allele origin: de novo. Inheritance: Autosomal dominant inheritance. Affected: yes. Observed: 1 heterozygote.

Athena Diagnostics
Classification: Pathogenic. Last evaluated: 2017-09-28. Review status: criteria provided, single submitter. Criteria: Athena Diagnostics Criteria. Collection method: clinical testing. Allele origin: germline.

Clinical Genetics Laboratory, University Hospital Schleswig-Holstein
Classification: Pathogenic for Developmental and epileptic encephalopathy, 11. Last evaluated: 2021-11-02. Review status: no assertion criteria provided. Collection method: clinical testing. Allele origin: germline. Affected: yes. Not counted in ClinVar's aggregate classification.

OMIM
Classification: Pathogenic for DEVELOPMENTAL AND EPILEPTIC ENCEPHALOPATHY 11. Last evaluated: 2004-03-17. Review status: no assertion criteria provided. Collection method: literature only. Allele origin: germline. Not counted in ClinVar's aggregate classification.

Literature cited by the submitters: PubMed 15028761 (cited by 4 submitters); PubMed 33851778 (cited by Women's Health and Genetics/Laboratory Corporation of America, LabCorp and Labcorp Genetics (formerly Invitae), Labcorp); PubMed 34894057 (cited by Labcorp Genetics (formerly Invitae), Labcorp); PubMed 28379373 (cited by Labcorp Genetics (formerly Invitae), Labcorp).